The following is an entry in ClinVar:

ClinVar aggregate classification (germline): Benign/Likely benign. Review status: criteria provided, multiple submitters, no conflicts (2 of 4 stars). 13 submissions from 7 submitters: Benign (2); Likely benign (10). 1 of the submissions does not count toward it. Last evaluated 2026-01-27.

Conditions:
Weill-Marchesani syndrome. Also called: WM Syndrome; Mesodermal dysmorphodystrophy congenital. Identifiers: Orphanet 3449, MedGen C0265313, MONDO:0018096.
Geleophysic dysplasia. Identifiers: Orphanet 2623, MedGen C3489726, MONDO:0000127.
Familial thoracic aortic aneurysm and aortic dissection (TAAD). Also called: Thoracic aortic aneurysms and dissections. Identifiers: Orphanet 91387, MedGen C4707243, MONDO:0019625.
Marfan syndrome (MFS). Also called: Marfan syndrome type 1; Marfan's syndrome; MARFAN SYNDROME, TYPE I; Marfan syndrome, classic; FBN1-Related Marfan Syndrome. Identifiers: Orphanet 284963, Orphanet 558, MedGen C0024796, MONDO:0007947, OMIM 154700.
Acromicric dysplasia (ACMICD). Also called: Acromicric skeletal dysplasia. Identifiers: Orphanet 969, MedGen C0265287, MONDO:0007055, OMIM 102370.
Ectopia lentis 1, isolated, autosomal dominant (ECTOL1). Identifiers: Orphanet 1885, MedGen C3541518, MONDO:0007514, OMIM 129600.
Stiff skin syndrome (SSKS). Identifiers: Orphanet 2833, MedGen C1861456, MONDO:0008492, OMIM 184900.
FBN1-related disorder. Also called: FBN1-related disorders.

Allele frequency attached by ClinVar (database versions not stated): ESP Exome Variant Server 0.00008; gnomAD exomes 0.00024 and 0.00045; TOPMed 0.00025; gnomAD 0.00032 and 0.00041; ExAC 0.00044; 1000 Genomes Project 30x 0.00078; 1000 Genomes Project 0.00100.
gnomAD v4.1: 394 of 1,541,098 alleles (0.026%); highest among the groups gnomAD compares: South Asian, 0.3%; 4 homozygotes.

Submissions (13):

Labcorp Genetics (formerly Invitae), Labcorp
Classification: Benign for Marfan syndrome; Familial thoracic aortic aneurysm and aortic dissection. Last evaluated: 2026-01-27. Review status: criteria provided, single submitter. Criteria: Invitae Variant Classification Sherloc (09022015). Collection method: clinical testing. Allele origin: germline.

CeGaT Center for Human Genetics Tuebingen
Classification: Likely benign. Last evaluated: 2025-11-01. Review status: criteria provided, single submitter. Criteria: CeGaT Center For Human Genetics Tuebingen Variant Classification Criteria Version 2. Collection method: clinical testing. Allele origin: germline. Affected: yes. Observed: 5 variant alleles.
Comment: FBN1: BS1

Blueprint Genetics
Classification: Likely benign. Last evaluated: 2024-02-07. Review status: criteria provided, single submitter. Criteria: ACMG Guidelines, 2015. Collection method: clinical testing. Allele origin: germline.

Illumina Laboratory Services, Illumina
Classification: Likely benign for Marfan syndrome. Last evaluated: 2018-04-13. Review status: criteria provided, single submitter. Criteria: ICSL Variant Classification Criteria 13 December 2019. Collection method: clinical testing. Allele origin: germline.
Comment: This variant was observed as part of a predisposition screen in an ostensibly healthy population. A literature search was performed for the gene, cDNA change, and amino acid change (where applicable). Publications were found based on this search. The evidence from the literature, in combination with allele frequency data from public databases where available, was sufficient to determine this variant is unlikely to cause disease. Therefore, this variant is classified as likely benign.

Illumina Laboratory Services, Illumina
Classification: Likely benign for Familial thoracic aortic aneurysm and aortic dissection. Last evaluated: 2018-04-13. Review status: criteria provided, single submitter. Criteria: ICSL Variant Classification Criteria 13 December 2019. Collection method: clinical testing. Allele origin: germline.
Comment: This variant was observed as part of a predisposition screen in an ostensibly healthy population. A literature search was performed for the gene, cDNA change, and amino acid change (where applicable). No publications were found based on this search. Allele frequency data from public databases allowed determination this variant is unlikely to cause disease. Therefore, this variant is classified as likely benign.

Illumina Laboratory Services, Illumina
Classification: Likely benign for Weill-Marchesani syndrome. Last evaluated: 2018-04-13. Review status: criteria provided, single submitter. Criteria: ICSL Variant Classification Criteria 13 December 2019. Collection method: clinical testing. Allele origin: germline.
Comment: the same text as in the submission from Illumina Laboratory Services, Illumina above.

Illumina Laboratory Services, Illumina
Classification: Likely benign for Geleophysic dysplasia. Last evaluated: 2018-04-13. Review status: criteria provided, single submitter. Criteria: ICSL Variant Classification Criteria 13 December 2019. Collection method: clinical testing. Allele origin: germline.
Comment: the same text as in the submission from Illumina Laboratory Services, Illumina above.

Illumina Laboratory Services, Illumina
Classification: Likely benign for Ectopia lentis 1, isolated, autosomal dominant. Last evaluated: 2018-04-13. Review status: criteria provided, single submitter. Criteria: ICSL Variant Classification Criteria 13 December 2019. Collection method: clinical testing. Allele origin: germline.
Comment: the same text as in the submission from Illumina Laboratory Services, Illumina above.

Illumina Laboratory Services, Illumina
Classification: Likely benign for Stiff skin syndrome. Last evaluated: 2018-04-13. Review status: criteria provided, single submitter. Criteria: ICSL Variant Classification Criteria 13 December 2019. Collection method: clinical testing. Allele origin: germline.
Comment: the same text as in the submission from Illumina Laboratory Services, Illumina above.

Illumina Laboratory Services, Illumina
Classification: Likely benign for Acromicric dysplasia. Last evaluated: 2018-04-13. Review status: criteria provided, single submitter. Criteria: ICSL Variant Classification Criteria 13 December 2019. Collection method: clinical testing. Allele origin: germline.
Comment: the same text as in the submission from Illumina Laboratory Services, Illumina above.

GeneDx
Classification: Benign. Last evaluated: 2015-09-21. Review status: criteria provided, single submitter. Criteria: GeneDx Variant Classification (06012015). Collection method: clinical testing. Allele origin: germline. Affected: yes.
Comment: This variant is considered likely benign or benign based on one or more of the following criteria: it is a conservative change, it occurs at a poorly conserved position in the protein, it is predicted to be benign by multiple in silico algorithms, and/or has population frequency not consistent with disease.

Laboratory for Molecular Medicine, Mass General Brigham Personalized Medicine
Classification: Likely benign. Last evaluated: 2010-08-09. Review status: criteria provided, single submitter. Criteria: LMM Criteria. Collection method: clinical testing. Allele origin: germline. Observed: 1 variant allele.
Comment: This variant has been previously reported in the literature in one individual wi th clinical features of Marfan syndrome. This individual had a second presumed p athogenic variant (Comeglio 2007). In addition, this variant is not expected to be clinically significant as it is neither located in the highly conserved regio n of the splicing consensus sequence nor is it predicted to alter splicing.

PreventionGenetics, part of Exact Sciences
Classification: Likely benign for FBN1-related condition. Last evaluated: 2023-05-03. Review status: no assertion criteria provided. Collection method: clinical testing. Allele origin: germline. Not counted in ClinVar's aggregate classification.
Comment: This variant is classified as likely benign based on ACMG/AMP sequence variant interpretation guidelines (Richards et al. 2015 PMID: 25741868, with internal and published modifications).

Literature cited by the submitters: PubMed 17657824 (cited by Illumina Laboratory Services, Illumina and Laboratory for Molecular Medicine, Mass General Brigham Personalized Medicine).

NM_000138.5(FBN1):c.5788+10C>A

Gene: FBN1 (fibrillin 1; minus strand). Cytogenetic location: 15q21.1.
Variant type: single nucleotide variant.
Coding change: c.5788+10C>A on transcript NM_000138.5 (MANE Select); 10 bases into the intron after coding-DNA position 5788, C replaced by A.
Molecular consequence: intron variant.
Genome position (GRCh38, 1-based): chr15:48,446,696, G>T on the plus strand (C>A on the coding strand, the complement: FBN1 is on the minus strand). VCF-style: chr15-48446696-G-T. GRCh37 (hg19) VCF-style: chr15-48738893-G-T.
Identifiers: ClinVar variation 42392 (VCV000042392.42), dbSNP rs371560107, ClinGen allele CA016056.
Genomic context (GRCh38, chr15:48,446,696, plus strand): 5'-GATGATGCTAATTACAAAGAACACATATAAAACTGACTTCCTTTGCTGATGCACAATTTT[G>T]CACACGCACCTATACAGTCATTGTTGTGAGAAAGGATGAAACCATGATTGCAGCGGCAGT-3'